The following is an entry in ClinVar:

NM_004714.3(DYRK1B):c.1257C>T (p.Arg419=)

Gene: DYRK1B (dual specificity tyrosine phosphorylation regulated kinase 1B; minus strand). Cytogenetic location: 19q13.2.
Variant type: single nucleotide variant.
Coding change: c.1257C>T on transcript NM_004714.3 (MANE Select); coding-DNA position 1257, C replaced by T.
Protein change: p.Arg419=; no amino-acid change (arginine 419 retained).
Molecular consequence: synonymous variant.
Genome position (GRCh38, 1-based): chr19:39,826,826, G>A on the plus strand (C>T on the coding strand, the complement: DYRK1B is on the minus strand). VCF-style: chr19-39826826-G-A. GRCh37 (hg19) VCF-style: chr19-40317466-G-A.
Other names: c.1137C>T, p.Arg379= (NM_006483.3); c.1173C>T, p.Arg391= (NM_006484.3).
Identifiers: ClinVar variation 4982717 (VCV004982717.1).

ClinVar aggregate classification (germline): Likely benign (1 of 4 stars; one submission).

Conditions:
DYRK1B-related disorder. Also called: DYRK1B-related condition.

gnomAD v4.1: 4 of 1,494,158 alleles (0.00027%); highest among the groups gnomAD compares: African/African-American, 0.0056%; no homozygotes.

Submission:

PreventionGenetics, part of Exact Sciences
Classification: Likely benign for DYRK1B-related condition. Last evaluated: 2026-05-13. Review status: criteria provided, single submitter. Criteria: ACMG Guidelines, 2015. Collection method: clinical testing. Allele origin: germline.
Comment: This variant is classified as likely benign based on ACMG/AMP sequence variant interpretation guidelines (Richards et al. 2015 PMID: 25741868, with internal and published modifications).